The following is an entry in ClinVar:

NM_000245.4(MET):c.*385G>A

Gene: MET (MET proto-oncogene, receptor tyrosine kinase; plus strand). Cytogenetic location: 7q31.2.
Variant type: single nucleotide variant.
Coding change: c.*385G>A on transcript NM_000245.4 (MANE Select); 385 bases downstream of the stop codon, G replaced by A.
Molecular consequence: 3 prime UTR variant.
Genome position (GRCh38, 1-based): chr7:116,796,509, G>A. VCF-style: chr7-116796509-G-A. GRCh37 (hg19) VCF-style: chr7-116436563-G-A.
Other names: c.*385G>A (LRG_662t1, NM_001127500.3, NM_001324402.2).
Identifiers: ClinVar variation 358702 (VCV000358702.5), dbSNP rs181068390, ClinGen allele CA10628020.
Genomic context (GRCh38, chr7:116,796,509, plus strand): 5'-TATTGAGGGCTTCTTGATCACAGAAAACTCAGAAGAGATAGTAATGCTCAGGACAGGAGC[G>A]GCAGCCCCAGAACAGGCCACTCATTTAGAATTCTAGTGTTTCAAAACACTTTTGTGTGTT-3'

ClinVar aggregate classification (germline): Benign (1 of 4 stars; one submission).

Conditions:
Papillary renal cell carcinoma type 1 (RCCP1). Also called: RENAL CELL CARCINOMA, PAPILLARY, 1, SOMATIC; Renal adenocarcinoma; Renal cell carcinoma 1; Renal cell carcinoma, somatic. Identifiers: Orphanet 47044, MedGen C1336839, OMIM 605074, HP:0011797.

Allele frequency attached by ClinVar (database versions not stated): gnomAD exomes 0.00059; gnomAD 0.00219 and 0.00235; TOPMed 0.00257; 1000 Genomes Project 0.00260; 1000 Genomes Project 30x 0.00281.

Submission:

Illumina Laboratory Services, Illumina
Classification: Benign for Papillary renal cell carcinoma type 1. Last evaluated: 2018-01-13. Review status: criteria provided, single submitter. Criteria: ICSL Variant Classification Criteria 13 December 2019. Collection method: clinical testing. Allele origin: germline.
Comment: This variant was observed in the ICSL laboratory as part of a predisposition screen in an ostensibly healthy population. It had not been previously curated by ICSL or reported in the Human Gene Mutation Database (HGMD: prior to June 1st, 2018), and was therefore a candidate for classification through an automated scoring system. Utilizing variant allele frequency, disease prevalence and penetrance estimates, and inheritance mode, an automated score was calculated to assess if this variant is too frequent to cause the disease. Based on the score and internal cut-off values, a variant classified as benign is not then subjected to further curation. The score for this variant resulted in a classification of benign for this disease.